The following is an entry in ClinVar:

NM_000271.5(NPC1):c.175G>A (p.Val59Met)

Gene: NPC1 (NPC intracellular cholesterol transporter 1; minus strand). Cytogenetic location: 18q11.2.
Variant type: single nucleotide variant.
Coding change: c.175G>A on transcript NM_000271.5 (MANE Select); coding-DNA position 175, G replaced by A.
Protein change: p.Val59Met; replaces valine 59 with methionine.
Molecular consequence: missense variant.
Genome position (GRCh38, 1-based): chr18:23,573,457, C>T on the plus strand (G>A on the coding strand, the complement: NPC1 is on the minus strand). VCF-style: chr18-23573457-C-T. GRCh37 (hg19) VCF-style: chr18-21153421-C-T.
Other names: short protein forms V59M.
Identifiers: ClinVar variation 2200523 (VCV002200523.1), dbSNP rs1365313736, ClinGen allele CA402041180.

ClinVar aggregate classification (germline): Uncertain significance (1 of 4 stars; one submission).

Conditions:
Niemann-Pick disease, type C1. Also called: NEUROVISCERAL STORAGE DISEASE WITH VERTICAL SUPRANUCLEAR OPHTHALMOPLEGIA; NIEMANN-PICK DISEASE WITH CHOLESTEROL ESTERIFICATION BLOCK; NIEMANN-PICK DISEASE WITHOUT SPHINGOMYELINASE DEFICIENCY; NIEMANN-PICK DISEASE, CHRONIC NEURONOPATHIC FORM; NIEMANN-PICK DISEASE, VARIANT TYPE C1. Identifiers: Orphanet 646, MedGen C3179455, MONDO:0009757, OMIM 257220.

Allele frequency attached by ClinVar (database versions not stated): TOPMed 0.00002.
gnomAD v4.1: 3 of 1,614,142 alleles (0.00019%); highest among the groups gnomAD compares: African/African-American, 0.0027%; no homozygotes.

Submission:

Labcorp Genetics (formerly Invitae), Labcorp
Classification: Uncertain significance for Niemann-Pick disease, type C1. Last evaluated: 2022-07-17. Review status: criteria provided, single submitter. Criteria: Invitae Variant Classification Sherloc (09022015). Collection method: clinical testing. Allele origin: germline.
Comment: This sequence change replaces valine, which is neutral and non-polar, with methionine, which is neutral and non-polar, at codon 59 of the NPC1 protein (p.Val59Met). This variant is not present in population databases (gnomAD no frequency). This variant has not been reported in the literature in individuals affected with NPC1-related conditions. Advanced modeling of protein sequence and biophysical properties (such as structural, functional, and spatial information, amino acid conservation, physicochemical variation, residue mobility, and thermodynamic stability) performed at Invitae indicates that this missense variant is not expected to disrupt NPC1 protein function. In summary, the available evidence is currently insufficient to determine the role of this variant in disease. Therefore, it has been classified as a Variant of Uncertain Significance.